The following is an entry in ClinVar:

NM_000719.7(CACNA1C):c.1333G>A (p.Glu445Lys)

Gene: CACNA1C (calcium voltage-gated channel subunit alpha1 C; plus strand). Cytogenetic location: 12p13.33.
Variant type: single nucleotide variant.
Coding change: c.1333G>A on transcript NM_000719.7 (MANE Select); coding-DNA position 1333, G replaced by A.
Protein change: p.Glu445Lys; replaces glutamic acid 445 with lysine.
Molecular consequence: missense variant.
Genome position (GRCh38, 1-based): chr12:2,512,927, G>A. VCF-style: chr12-2512927-G-A. GRCh37 (hg19) VCF-style: chr12-2622093-G-A.
Other names: c.1333G>A, p.Glu445Lys (NM_001129827.2, NM_001129829.2, NM_001129830.3 and 18 more transcripts); c.1324G>A, p.Glu442Lys (NM_001129844.2); short protein forms E445K, E442K.
Identifiers: ClinVar variation 518788 (VCV000518788.13), dbSNP rs1238581042, ClinGen allele CA383367152.

ClinVar aggregate classification (germline): Uncertain significance. Review status: criteria provided, multiple submitters, no conflicts (2 of 4 stars). 2 submissions from 2 submitters: Uncertain significance (2). Last evaluated 2025-06-20.

Conditions:
Cardiovascular phenotype. Identifiers: MedGen CN230736.
Long QT syndrome (LQTS). Identifiers: MedGen C0023976, MeSH D008133, MONDO:0002442. Disease mechanism: loss of function. Inheritance: Various modes of inheritance.

Allele frequency attached by ClinVar (database versions not stated): gnomAD exomes below 0.00001; TOPMed below 0.00001; gnomAD 0.00001.
gnomAD v4.1: 4 of 1,611,754 alleles (0.00025%); highest among the groups gnomAD compares: Admixed American, 0.0017%; no homozygotes.

Submissions (2):

Labcorp Genetics (formerly Invitae), Labcorp
Classification: Uncertain significance for Long QT syndrome. Last evaluated: 2025-06-20. Review status: criteria provided, single submitter. Criteria: Invitae Variant Classification Sherloc (09022015). Collection method: clinical testing. Allele origin: germline.
Comment: This sequence change replaces glutamic acid, which is acidic and polar, with lysine, which is basic and polar, at codon 445 of the CACNA1C protein (p.Glu445Lys). This variant is not present in population databases (gnomAD no frequency). This variant has not been reported in the literature in individuals affected with CACNA1C-related conditions. ClinVar contains an entry for this variant (Variation ID: 518788). Invitae Evidence Modeling of protein sequence and biophysical properties (such as structural, functional, and spatial information, amino acid conservation, physicochemical variation, residue mobility, and thermodynamic stability) indicates that this missense variant is expected to disrupt CACNA1C protein function with a positive predictive value of 95%. In summary, the available evidence is currently insufficient to determine the role of this variant in disease. Therefore, it has been classified as a Variant of Uncertain Significance.

Ambry Genetics
Classification: Uncertain significance for Cardiovascular phenotype. Last evaluated: 2016-04-26. Review status: criteria provided, single submitter. Criteria: Ambry Variant Classification Scheme 2023. Collection method: clinical testing. Allele origin: germline.
Comment: The p.E445K variant (also known as c.1333G>A), located in coding exon 9 of the CACNA1C gene, results from a G to A substitution at nucleotide position 1333. The glutamic acid at codon 445 is replaced by lysine, an amino acid with some similar properties. This variant was not reported in population based cohorts in the following databases: Database of Single Nucleotide Polymorphisms (dbSNP), NHLBI Exome Sequencing Project (ESP), and 1000 Genomes Project. In the ESP, this variant was not observed in 6435 samples (12870 alleles) with coverage at this position. This amino acid position is highly conserved in available vertebrate species. In addition, this alteration is predicted to be deleterious by in silico analysis. Since supporting evidence is limited at this time, the clinical significance of this alteration remains unclear.